The following is an entry in ClinVar:

NM_014927.5(CNKSR2):c.1219G>A (p.Glu407Lys)

Gene: CNKSR2 (connector enhancer of kinase suppressor of Ras 2; plus strand). Cytogenetic location: Xp22.12.
Variant type: single nucleotide variant.
Coding change: c.1219G>A on transcript NM_014927.5 (MANE Select); coding-DNA position 1219, G replaced by A.
Protein change: p.Glu407Lys; replaces glutamic acid 407 with lysine.
Molecular consequence: missense variant.
Genome position (GRCh38, 1-based): chrX:21,531,983, G>A. VCF-style: chrX-21531983-G-A. GRCh37 (hg19) VCF-style: chrX-21550101-G-A.
Other names: c.1219G>A (NM_014927.3); c.1219G>A, p.Glu407Lys (NM_001168647.3, NM_001168648.3, NM_001330773.2); c.1072G>A, p.Glu358Lys (NM_001168649.3, NM_001330770.2, NM_001330771.2 and 1 more transcripts); short protein forms E358K, E407K.
Identifiers: ClinVar variation 1213765 (VCV001213765.2), dbSNP rs2091890198, ClinGen allele CA412551295.
Genomic context (GRCh38, chrX:21,531,983, plus strand): 5'-GGATCTGAATCACCAAATTCATTTCTGGATCAGGAATATCGAAAGAGATTTAATATTGTC[G>A]AAGAAGATACTGTCTTATATTGCTATGAATATGAAAAAGGAAGATCAAGTAGTCAAGGAA-3'
Protein context (NP_055742.2, residues 397-417): QEYRKRFNIV[Glu407Lys]EDTVLYCYEY

ClinVar aggregate classification (germline): Uncertain significance. Review status: criteria provided, multiple submitters, no conflicts (2 of 4 stars). 2 submissions from 2 submitters: Uncertain significance (2). Last evaluated 2025-04-13.

Conditions:
Inborn genetic diseases. Identifiers: MedGen C0950123, MeSH D030342.
Intellectual developmental disorder, X-linked, syndromic, Houge type. Also called: MENTAL RETARDATION, X-LINKED, SYNDROMIC, HOUGE TYPE; Intellectual disability, X-linked, syndromic, Houge type. Identifiers: MedGen C4538788, MONDO:0030909, OMIM 301008.

Allele frequency attached by ClinVar (database versions not stated): gnomAD exomes 0.00001.
gnomAD v4.1: 6 of 1,202,273 alleles (0.0005%); highest among the groups gnomAD compares: Non-Finnish European, 0.00068%; no homozygotes.

Submissions (2):

Ambry Genetics
Classification: Uncertain significance for Inborn genetic diseases. Last evaluated: 2025-04-13. Review status: criteria provided, single submitter. Criteria: Ambry Variant Classification Scheme 2023. Collection method: clinical testing. Allele origin: germline.

New York Genome Center
Classification: Uncertain significance for Intellectual developmental disorder, X-linked, syndromic, Houge type. Last evaluated: 2020-09-23. Review status: criteria provided, single submitter. Criteria: NYGC Assertion Criteria 2020. Collection method: clinical testing. Allele origin: inherited. Observed: 1 hemizygote. Study: CSER-NYCKidSeq.
Comment: This variant is absent from gnomAD(v3.0) suggesting it is not a common benign variant in the populations represented in that database. In silico algorithms predict this variant to be Deleterious (Provean; score: -2.8) and Damaging (SIFT; score: 0.006) to the function of the canonical transcript. This variant is absent from ClinVar and to our current knowledge has not been reported in affected individuals in the literature. The p.Glu407 residue is within the DUF1170 domain of CNKSR2 (UniProtKB:Q8WXI2), although the function of this domain is currently unknown. Given the lack of compelling evidence for its pathogenicity, the hemizygous, maternally inherited c.1219G>A (p.Glu407Lys) variant identified in the CNKSR2 gene is reported as a Variant of Uncertain Significance.